The following is an entry in ClinVar:

NM_001375.3(DNASE2):c.71G>A (p.Gly24Glu)

Genes: DNASE2 (deoxyribonuclease 2, lysosomal; minus strand), LOC117125588 (CRISPRi-FlowFISH-validated KLF1 regulatory element 1; plus strand). Cytogenetic location: 19p13.13.
Variant type: single nucleotide variant.
Coding change: c.71G>A on transcript NM_001375.3 (MANE Select); coding-DNA position 71, G replaced by A.
Protein change: p.Gly24Glu; replaces glycine 24 with glutamic acid.
Molecular consequence: missense variant.
Genome position (GRCh38, 1-based): chr19:12,881,305, C>T on the plus strand (G>A on the coding strand, the complement: DNASE2 is on the minus strand). VCF-style: chr19-12881305-C-T. GRCh37 (hg19) VCF-style: chr19-12992119-C-T.
Other names: short protein forms G24E.
Identifiers: ClinVar variation 2629906 (VCV002629906.1), dbSNP rs1021493478, ClinGen allele CA305498437.

ClinVar aggregate classification (germline): Uncertain significance (1 of 4 stars; one submission).

Conditions:
DNASE2-related disorder. Also called: DNASE2-related condition.

Allele frequency attached by ClinVar (database versions not stated): gnomAD exomes below 0.00001; TOPMed 0.00002.
gnomAD v4.1: 2 of 1,572,096 alleles (0.00013%); highest among the groups gnomAD compares: African/African-American, 0.0027%; no homozygotes.

Submission:

PreventionGenetics, part of Exact Sciences
Classification: Uncertain significance for DNASE2-related condition. Last evaluated: 2023-01-09. Review status: criteria provided, single submitter. Criteria: ACMG Guidelines, 2015. Collection method: clinical testing. Allele origin: germline.
Comment: The DNASE2 c.71G>A variant is predicted to result in the amino acid substitution p.Gly24Glu. To our knowledge, this variant has not been reported in the literature or in a large population database, indicating this variant is rare. At this time, the clinical significance of this variant is uncertain due to the absence of conclusive functional and genetic evidence.